The following is an entry in ClinVar:

NM_000376.3(VDR):c.389G>A (p.Arg130His)

Gene: VDR (vitamin D receptor; minus strand). Cytogenetic location: 12q13.11.
Variant type: single nucleotide variant.
Coding change: c.389G>A on transcript NM_000376.3 (MANE Select); coding-DNA position 389, G replaced by A.
Protein change: p.Arg130His; replaces arginine 130 with histidine.
Molecular consequence: missense variant.
Genome position (GRCh38, 1-based): chr12:47,857,577, C>T on the plus strand (G>A on the coding strand, the complement: VDR is on the minus strand). VCF-style: chr12-47857577-C-T. GRCh37 (hg19) VCF-style: chr12-48251360-C-T.
Other names: c.389G>A, p.Arg130His (NM_001017535.2, NM_001364085.2, NM_001374661.1 and 1 more transcripts); c.539G>A, p.Arg180His (NM_001017536.2); c.389G>A (NM_001017535.1); short protein forms R180H, R130H.
Identifiers: ClinVar variation 2136689 (VCV002136689.11), dbSNP rs371655308, ClinGen allele CA6533953.

ClinVar aggregate classification (germline): Uncertain significance. Review status: criteria provided, multiple submitters, no conflicts (2 of 4 stars). 3 submissions from 3 submitters: Uncertain significance (3). Last evaluated 2025-10-02.

Conditions:
Inborn genetic diseases. Identifiers: MedGen C0950123, MeSH D030342.

Allele frequency attached by ClinVar (database versions not stated): ExAC 0.00004; ESP Exome Variant Server 0.00008; TOPMed 0.00010; gnomAD exomes 0.00012; gnomAD 0.00013.
gnomAD v4.1: 191 of 1,614,178 alleles (0.012%); highest among the groups gnomAD compares: Middle Eastern, 0.016%; no homozygotes.

Submissions (3):

Labcorp Genetics (formerly Invitae), Labcorp
Classification: Uncertain significance. Last evaluated: 2025-10-02. Review status: criteria provided, single submitter. Criteria: Invitae Variant Classification Sherloc (09022015). Collection method: clinical testing. Allele origin: germline.
Comment: This sequence change replaces arginine, which is basic and polar, with histidine, which is basic and polar, at codon 130 of the VDR protein (p.Arg130His). This variant is present in population databases (rs371655308, gnomAD 0.01%). This variant has not been reported in the literature in individuals affected with VDR-related conditions. ClinVar contains an entry for this variant (Variation ID: 2136689). Invitae Evidence Modeling of protein sequence and biophysical properties (such as structural, functional, and spatial information, amino acid conservation, physicochemical variation, residue mobility, and thermodynamic stability) indicates that this missense variant is not expected to disrupt VDR protein function with a negative predictive value of 80%. In summary, the available evidence is currently insufficient to determine the role of this variant in disease. Therefore, it has been classified as a Variant of Uncertain Significance.

CeGaT Center for Human Genetics Tuebingen
Classification: Uncertain significance. Last evaluated: 2025-06-01. Review status: criteria provided, single submitter. Criteria: CeGaT Center For Human Genetics Tuebingen Variant Classification Criteria Version 2. Collection method: clinical testing. Allele origin: germline. Affected: yes. Observed: 1 variant allele.
Comment: VDR: PM2

Ambry Genetics
Classification: Uncertain significance for Inborn genetic diseases. Last evaluated: 2021-09-02. Review status: criteria provided, single submitter. Criteria: Ambry Variant Classification Scheme 2023. Collection method: clinical testing. Allele origin: germline.